The following is an entry in ClinVar:

NM_007194.4(CHEK2):c.847-3T>A

Gene: CHEK2 (checkpoint kinase 2; minus strand). Cytogenetic location: 22q12.1.
Variant type: single nucleotide variant.
Coding change: c.847-3T>A on transcript NM_007194.4 (MANE Select); 3 bases into the intron before coding-DNA position 847, T replaced by A.
Molecular consequence: intron variant.
Genome position (GRCh38, 1-based): chr22:28,703,569, A>T on the plus strand (T>A on the coding strand, the complement: CHEK2 is on the minus strand). VCF-style: chr22-28703569-A-T. GRCh37 (hg19) VCF-style: chr22-29099557-A-T.
Other names: c.184-3T>A (NM_001437942.1, NM_001257387.3); c.646-3T>A (NM_001349956.3); c.847-3T>A (NM_145862.3); c.940-3T>A (NM_001438295.1, NM_001438293.1); c.976-3T>A (NM_001438294.1, NM_001005735.3).
Identifiers: ClinVar variation 4002259 (VCV004002259.1).

ClinVar aggregate classification (germline): Uncertain significance (1 of 4 stars; one submission).

Conditions:
Hereditary cancer-predisposing syndrome. Also called: Tumor predisposition; Hereditary neoplastic syndrome; Neoplastic Syndromes, Hereditary; Hereditary Cancer Syndrome. Identifiers: Orphanet 140162, MedGen C0027672, MeSH D009386, MONDO:0015356.

Submission:

Ambry Genetics
Classification: Uncertain significance for Hereditary cancer-predisposing syndrome. Last evaluated: 2025-05-06. Review status: criteria provided, single submitter. Criteria: Ambry Variant Classification Scheme 2023. Collection method: clinical testing. Allele origin: germline.
Comment: The c.847-3T>A intronic variant results from a T to A substitution 3 nucleotides upstream from coding exon 7 in the CHEK2 gene. In silico splice site analysis predicts that this alteration may weaken the native splice acceptor site; however, direct evidence is insufficient at this time (Ambry internal data). Based on the available evidence, the clinical significance of this variant remains unclear.